The following is an entry in ClinVar:

NM_001130823.3(DNMT1):c.2894+3A>G

Gene: DNMT1 (DNA methyltransferase 1; minus strand). Cytogenetic location: 19p13.2.
Variant type: single nucleotide variant.
Coding change: c.2894+3A>G on transcript NM_001130823.3 (MANE Select); 3 bases into the intron after coding-DNA position 2894, A replaced by G.
Molecular consequence: intron variant.
Genome position (GRCh38, 1-based): chr19:10,146,348, T>C on the plus strand (A>G on the coding strand, the complement: DNMT1 is on the minus strand). VCF-style: chr19-10146348-T-C. GRCh37 (hg19) VCF-style: chr19-10257024-T-C.
Other names: c.2531+3A>G (NM_001318731.2); c.2846+3A>G (NM_001379.4, NM_001318730.2).
Identifiers: ClinVar variation 1796768 (VCV001796768.2), dbSNP rs1221238100, ClinGen allele CA631709520.

ClinVar aggregate classification (germline): Uncertain significance (1 of 4 stars; one submission).

Conditions:
Inborn genetic diseases. Identifiers: MedGen C0950123, MeSH D030342.

Allele frequency attached by ClinVar (database versions not stated): gnomAD 0.00001; gnomAD exomes 0.00001; TOPMed 0.00001.
gnomAD v4.1: 14 of 1,613,720 alleles (0.00087%); highest among the groups gnomAD compares: Non-Finnish European, 0.0012%; no homozygotes.

Submission:

Ambry Genetics
Classification: Uncertain significance for Inborn genetic diseases. Last evaluated: 2022-04-21. Review status: criteria provided, single submitter. Criteria: Ambry Variant Classification Scheme 2023. Collection method: clinical testing. Allele origin: germline.
Comment: The c.2846+3A>G intronic variant results from an A to G substitution 3 nucleotides after coding exon 27 in the DNMT1 gene. This nucleotide position is poorly conserved in available vertebrate species. In silico splice site analysis predicts that this alteration may result in the creation or strengthening of a novel splice donor site. Since supporting evidence is limited at this time, the clinical significance of this alteration remains unclear.